The following is an entry in ClinVar:

ClinVar aggregate classification (germline): Uncertain significance (1 of 4 stars; one submission).

Submission:

Labcorp Genetics (formerly Invitae), Labcorp
Classification: Uncertain significance. Last evaluated: 2025-07-24. Review status: criteria provided, single submitter. Criteria: Invitae Variant Classification Sherloc (09022015). Collection method: clinical testing. Allele origin: germline.
Comment: This sequence change replaces alanine, which is neutral and non-polar, with serine, which is neutral and polar, at codon 395 of the MICAL1 protein (p.Ala395Ser). This variant is not present in population databases (gnomAD no frequency). This variant has not been reported in the literature in individuals affected with MICAL1-related conditions. ClinVar contains an entry for this variant (Variation ID: 3663161). An algorithm developed to predict the effect of missense changes on protein structure and function (PolyPhen-2) suggests that this variant is likely to be tolerated. In summary, the available evidence is currently insufficient to determine the role of this variant in disease. Therefore, it has been classified as a Variant of Uncertain Significance.

NM_022765.4(MICAL1):c.1126G>T (p.Ala376Ser)

Gene: MICAL1 (microtubule associated monooxygenase, calponin and LIM domain containing 1; minus strand). Cytogenetic location: 6q21.
Variant type: single nucleotide variant.
Coding change: c.1126G>T on transcript NM_022765.4 (MANE Select); coding-DNA position 1126, G replaced by T.
Protein change: p.Ala376Ser; replaces alanine 376 with serine.
Molecular consequence: missense variant. On other transcripts: intron variant (1).
Genome position (GRCh38, 1-based): chr6:109,450,365, C>A on the plus strand (G>T on the coding strand, the complement: MICAL1 is on the minus strand). VCF-style: chr6-109450365-C-A. GRCh37 (hg19) VCF-style: chr6-109771568-C-A.
Other names: c.1183G>T, p.Ala395Ser (NM_001286613.2); c.934-280G>T (NM_001159291.2); short protein forms A395S, A376S.
Identifiers: ClinVar variation 3663161 (VCV003663161.2).